The following is an entry in ClinVar:

ClinVar aggregate classification (germline): Likely benign (1 of 4 stars; one submission).

Conditions:
Tuberous sclerosis 2 (TSC2). Identifiers: Orphanet 805, MedGen C1860707, MONDO:0013199, OMIM 613254.

Submission:

Myriad Genetics, Inc.
Classification: Likely benign for Tuberous sclerosis 2. Last evaluated: 2025-05-28. Review status: criteria provided, single submitter. Criteria: Myriad Autosomal Dominant, Autosomal Recessive and X-Linked Classification Criteria (2023). Collection method: clinical testing. Allele origin: unknown.
Comment: This variant is considered likely benign. This variant is intronic and is not expected to impact mRNA splicing.

NM_000548.5(TSC2):c.3131+10del

Gene: TSC2 (TSC complex subunit 2; plus strand). Cytogenetic location: 16p13.3.
Variant type: Deletion.
Coding change: c.3131+10del on transcript NM_000548.5 (MANE Select); 10 bases into the intron after coding-DNA position 3131, one base deleted (G; older notation c.3131+10delG).
Molecular consequence: intron variant.
Genome position (GRCh38, 1-based): chr16:2,079,206, G deleted; the last of 2 consecutive G bases (chr16:2,079,205-2,079,206); deleting either gives the same sequence. VCF-style (leftmost placement, unchanged base first): chr16-2079204-CG-C. GRCh37 (hg19) VCF-style: chr16-2129205-CG-C.
Other names: c.1658+10del (NM_001406693.1, NM_001406690.1, NM_001406692.1 and 1 more transcripts); c.3092+10del (NM_001406667.1); c.3089+10del (NM_001406668.1); c.2531+10del (NM_001406680.1, NM_001406683.1, NM_001406682.1); c.2399+10del (NM_001406687.1, NM_001318831.2, NM_001406688.1); c.1787+10del (NM_001406689.1); c.1655+10del (NM_001406691.1, NM_001406697.1, NM_001406695.1 and 1 more transcripts); c.1397+10del (NM_001406698.1); and 18 more.
Identifiers: ClinVar variation 4071090 (VCV004071090.1).